The following is an entry in ClinVar:

ClinVar aggregate classification (germline): Uncertain significance (1 of 4 stars; one submission).

Conditions:
Hereditary cancer-predisposing syndrome. Also called: Neoplastic Syndromes, Hereditary; Tumor predisposition; Hereditary neoplastic syndrome; Hereditary Cancer Syndrome. Identifiers: Orphanet 140162, MedGen C0027672, MeSH D009386, MONDO:0015356.

Submission:

Ambry Genetics
Classification: Uncertain significance for Hereditary cancer-predisposing syndrome. Last evaluated: 2026-07-06. Review status: criteria provided, single submitter. Criteria: Ambry Variant Classification Scheme 2023. Collection method: clinical testing. Allele origin: germline.
Comment: The p.S121F variant (also known as c.362C>T), located in coding exon 2 of the NTHL1 gene, results from a C to T substitution at nucleotide position 362. The serine at codon 121 is replaced by phenylalanine, an amino acid with highly dissimilar properties. This amino acid position is conserved. In addition, this alteration is predicted to be tolerated by in silico analysis. Based on the available evidence, the clinical significance of this variant remains unclear.

NM_002528.7(NTHL1):c.338C>T (p.Ser113Phe)

Gene: NTHL1 (nth like DNA glycosylase 1; minus strand). Cytogenetic location: 16p13.3.
Variant type: single nucleotide variant.
Coding change: c.338C>T on transcript NM_002528.7 (MANE Select); coding-DNA position 338, C replaced by T.
Protein change: p.Ser113Phe; replaces serine 113 with phenylalanine.
Molecular consequence: missense variant. On other transcripts: intron variant (1).
Genome position (GRCh38, 1-based): chr16:2,046,144, G>A on the plus strand (C>T on the coding strand, the complement: NTHL1 is on the minus strand). VCF-style: chr16-2046144-G-A. GRCh37 (hg19) VCF-style: chr16-2096145-G-A.
Other names: c.338C>T, p.Ser113Phe (NM_001318193.2); c.24+136C>T (NM_001318194.2); short protein forms S113F.
Identifiers: ClinVar variation 5025886 (VCV005025886.1).